The following is an entry in ClinVar:

NM_003743.5(NCOA1):c.1538C>T (p.Ser513Leu)

Gene: NCOA1 (nuclear receptor coactivator 1; plus strand). Cytogenetic location: 2p23.3.
Variant type: single nucleotide variant.
Coding change: c.1538C>T on transcript NM_003743.5 (MANE Select); coding-DNA position 1538, C replaced by T.
Protein change: p.Ser513Leu; replaces serine 513 with leucine.
Molecular consequence: missense variant.
Genome position (GRCh38, 1-based): chr2:24,707,008, C>T. VCF-style: chr2-24707008-C-T. GRCh37 (hg19) VCF-style: chr2-24929877-C-T.
Other names: c.1538C>T, p.Ser513Leu (NM_001362950.1, NM_001362952.1, NM_001362954.1 and 3 more transcripts); short protein forms S513L.
Identifiers: ClinVar variation 2629492 (VCV002629492.3), dbSNP rs778193446, ClinGen allele CA1552271.

ClinVar aggregate classification (germline): Uncertain significance (0 of 4 stars; one submission).

Conditions:
NCOA1-related disorder. Also called: NCOA1-related condition.

Allele frequency attached by ClinVar (database versions not stated): ExAC 0.00002; gnomAD exomes 0.00004; TOPMed 0.00009; gnomAD 0.00010.
gnomAD v4.1: 67 of 1,613,974 alleles (0.0042%); highest among the groups gnomAD compares: African/African-American, 0.035%; no homozygotes.

Submission:

PreventionGenetics, part of Exact Sciences
Classification: Uncertain significance for NCOA1-related condition. Last evaluated: 2023-12-04. Review status: no assertion criteria provided. Collection method: clinical testing. Allele origin: germline.
Comment: The NCOA1 c.1538C>T variant is predicted to result in the amino acid substitution p.Ser513Leu. To our knowledge, this variant has not been reported in the literature. This variant is reported in 0.052% of alleles in individuals of African descent in gnomAD. Although we suspect that this variant may be benign, at this time, the clinical significance of this variant is uncertain due to the absence of conclusive functional and genetic evidence.